The following is an entry in ClinVar:

ClinVar aggregate classification (germline): Likely benign. Review status: criteria provided, single submitter (1 of 4 stars). 2 submissions from 2 submitters: Likely benign (1). 1 of the submissions does not count toward it. Last evaluated 2026-02-01.

Conditions:
PSMD12-related disorder. Also called: PSMD12-related condition.

Allele frequency attached by ClinVar (database versions not stated): ESP Exome Variant Server 0.00015; gnomAD 0.00015; TOPMed 0.00015; 1000 Genomes Project 30x 0.00016; ExAC 0.00019; 1000 Genomes Project 0.00020; gnomAD exomes 0.00039.
gnomAD v4.1: 577 of 1,613,288 alleles (0.036%); highest among the groups gnomAD compares: Non-Finnish European, 0.046%; 1 homozygote.

Submissions (2):

CeGaT Center for Human Genetics Tuebingen
Classification: Likely benign. Last evaluated: 2026-02-01. Review status: criteria provided, single submitter. Criteria: CeGaT Center For Human Genetics Tuebingen Variant Classification Criteria Version 2. Collection method: clinical testing. Allele origin: germline. Affected: yes. Observed: 2 variant alleles.
Comment: PSMD12: BP4, BP7

PreventionGenetics, part of Exact Sciences
Classification: Likely benign for PSMD12-related condition. Last evaluated: 2019-04-26. Review status: no assertion criteria provided. Collection method: clinical testing. Allele origin: germline. Not counted in ClinVar's aggregate classification.
Comment: This variant is classified as likely benign based on ACMG/AMP sequence variant interpretation guidelines (Richards et al. 2015 PMID: 25741868, with internal and published modifications).

NM_002816.5(PSMD12):c.333T>C (p.Tyr111=)

Gene: PSMD12 (proteasome 26S subunit, non-ATPase 12; minus strand). Cytogenetic location: 17q24.2.
Variant type: single nucleotide variant.
Coding change: c.333T>C on transcript NM_002816.5 (MANE Select); coding-DNA position 333, T replaced by C.
Protein change: p.Tyr111=; no amino-acid change (tyrosine 111 retained).
Molecular consequence: synonymous variant.
Genome position (GRCh38, 1-based): chr17:67,350,301, A>G on the plus strand (T>C on the coding strand, the complement: PSMD12 is on the minus strand). VCF-style: chr17-67350301-A-G. GRCh37 (hg19) VCF-style: chr17-65346417-A-G.
Other names: c.156T>C, p.Tyr52= (NM_001316341.2); c.273T>C, p.Tyr91= (NM_174871.4); c.333T>C (NM_002816.4).
Identifiers: ClinVar variation 2648120 (VCV002648120.25), dbSNP rs140191153, ClinGen allele CA8723775.